The following is an entry in ClinVar:

NM_004268.5(MED17):c.200C>G (p.Ala67Gly)

Genes: MED17 (mediator complex subunit 17; plus strand), LOC130006596 (ATAC-STARR-seq lymphoblastoid silent region 3840; plus strand). Cytogenetic location: 11q21.
Variant type: single nucleotide variant.
Coding change: c.200C>G on transcript NM_004268.5 (MANE Select); coding-DNA position 200, C replaced by G.
Protein change: p.Ala67Gly; replaces alanine 67 with glycine.
Molecular consequence: missense variant.
Genome position (GRCh38, 1-based): chr11:93,784,713, C>G. VCF-style: chr11-93784713-C-G. GRCh37 (hg19) VCF-style: chr11-93517879-C-G.
Other names: short protein forms A67G.
Identifiers: ClinVar variation 1352719 (VCV001352719.8), dbSNP rs760769376, ClinGen allele CA382387995.
Genomic context (GRCh38, chr11:93,784,713, plus strand): 5'-TAGACTTCAGCCAGGGTTCGGGCTCCGAGGAGGAGGAGGCGGCGGGGACCGAGGGCGACG[C>G]GCAGGAGTGGCCGGGCGCCGGGTCCAGCGCAGACCAGGACGACGAGGAAGGTAAGGCCTG-3'
Protein context (NP_004259.3, residues 57-77): EEEAAGTEGD[Ala67Gly]QEWPGAGSSA

ClinVar aggregate classification (germline): Uncertain significance (1 of 4 stars; one submission).

Submission:

Labcorp Genetics (formerly Invitae), Labcorp
Classification: Uncertain significance. Last evaluated: 2025-01-06. Review status: criteria provided, single submitter. Criteria: Invitae Variant Classification Sherloc (09022015). Collection method: clinical testing. Allele origin: germline.
Comment: This sequence change replaces alanine, which is neutral and non-polar, with glycine, which is neutral and non-polar, at codon 67 of the MED17 protein (p.Ala67Gly). This variant is not present in population databases (gnomAD no frequency). This variant has not been reported in the literature in individuals affected with MED17-related conditions. ClinVar contains an entry for this variant (Variation ID: 1352719). An algorithm developed to predict the effect of missense changes on protein structure and function (PolyPhen-2) suggests that this variant is likely to be tolerated. In summary, the available evidence is currently insufficient to determine the role of this variant in disease. Therefore, it has been classified as a Variant of Uncertain Significance.